The following is an entry in ClinVar:

ClinVar aggregate classification (germline): Uncertain significance. Review status: criteria provided, multiple submitters, no conflicts (2 of 4 stars). 2 submissions from 2 submitters: Uncertain significance (2). Last evaluated 2024-02-29.

Conditions:
Autosomal dominant hypocalcemia 1 (HYPOC1). Also called: HYPOCALCEMIA, FAMILIAL. Identifiers: MedGen C3715128, MONDO:0011013, OMIM 601198.
Familial hypocalciuric hypercalcemia (FHH). Also called: Familial benign hypercalcemia. Identifiers: Orphanet 405, MedGen C1809471, MONDO:0018458.
Nephrolithiasis/nephrocalcinosis. Identifiers: MedGen CN580796.

Submissions (2):

Ambry Genetics
Classification: Uncertain significance for Nephrolithiasis/nephrocalcinosis. Last evaluated: 2024-02-29. Review status: criteria provided, single submitter. Criteria: Ambry Variant Classification Scheme 2023. Collection method: clinical testing. Allele origin: germline.
Comment: The c.2747_2749dupGCA variant (also known as p.S916dup), located in coding exon 6 of the CASR gene, results from an in-frame duplication of GCA at nucleotide positions 2747 to 2749. This results in the in-frame duplication of an extra serine residue at codon 916. This amino acid position is not well conserved in available vertebrate species. In addition, this alteration is predicted to be neutral by in silico analysis (Choi Y et al. PLoS ONE. 2012; 7(10):e46688). In addition, the evidence for the gene-disease relationship is limited for pancreatitis and cancer predisposition; therefore, the clinical significance of this variant for CASR-related pancreatitis and cancer predisposition is unclear. Based on the available evidence, the clinical significance of this alteration remains unclear.

Labcorp Genetics (formerly Invitae), Labcorp
Classification: Uncertain significance for Familial hypocalciuric hypercalcemia; Autosomal dominant hypocalcemia 1. Last evaluated: 2023-08-09. Review status: criteria provided, single submitter. Criteria: Invitae Variant Classification Sherloc (09022015). Collection method: clinical testing. Allele origin: germline.
Comment: This variant, c.2747_2749dup, results in the insertion of 1 amino acid(s) of the CASR protein (p.Ser916dup), but otherwise preserves the integrity of the reading frame. This variant is not present in population databases (gnomAD no frequency). This variant has not been reported in the literature in individuals affected with CASR-related conditions. In summary, the available evidence is currently insufficient to determine the role of this variant in disease. Therefore, it has been classified as a Variant of Uncertain Significance.

NM_000388.4(CASR):c.2744GCA[3] (p.Ser916_Lys917insSer)

Gene: CASR (calcium sensing receptor; plus strand). Cytogenetic location: 3q21.1.
Variant type: Microsatellite.
Coding change: c.2744GCA[3] on transcript NM_000388.4 (MANE Select); three copies in a row of the 3-base unit GCA starting at c.2744; the reference has two copies in a row; one copy, 3 bases duplicated.
Protein change: p.Ser916_Lys917insSer.
Molecular consequence: inframe insertion.
Genome position (GRCh38, 1-based): chr3:122,284,701-122,284,703, GCA duplicated; duplicating any 3 consecutive bases within chr3:122,284,696-122,284,703 gives the same sequence; the position shown is the placement nearest the transcript's 3' end. VCF-style (leftmost placement, unchanged base first): chr3-122284695-T-TCAG. GRCh37 (hg19) VCF-style: chr3-122003542-T-TCAG.
Other names: c.2747_2749dupGCA (NM_000388.3); c.2774GCA[3], p.Ser926_Lys927insSer (NM_001178065.2).
Identifiers: ClinVar variation 2931144 (VCV002931144.4), dbSNP rs2473281717, ClinGen allele CA2740094576.
Genomic context (GRCh38, chr3:122,284,695, plus strand): 5'-TCTCCCGCAAGCGGTCCAGCAGCCTTGGAGGCTCCACGGGATCCACCCCCTCCTCCTCCA[T>TCAG]CAGCAGCAAGAGCAACAGCGAAGACCCATTCCCACAGCCCGAGAGGCAGAAGCAGCAGCA-3'